The following is an entry in ClinVar:

NM_032383.5(HPS3):c.343G>A (p.Gly115Arg)

Gene: HPS3 (HPS3 biogenesis of lysosomal organelles complex 2 subunit 1; plus strand). Cytogenetic location: 3q24.
Variant type: single nucleotide variant.
Coding change: c.343G>A on transcript NM_032383.5 (MANE Select); coding-DNA position 343, G replaced by A.
Protein change: p.Gly115Arg; replaces glycine 115 with arginine.
Molecular consequence: missense variant. On other transcripts: intron variant (1).
Genome position (GRCh38, 1-based): chr3:149,140,129, G>A. VCF-style: chr3-149140129-G-A. GRCh37 (hg19) VCF-style: chr3-148857916-G-A.
Other names: c.218-888G>A (NM_001308258.2); c.343G>A (NM_032383.4); short protein forms G115R.
Identifiers: ClinVar variation 2146816 (VCV002146816.2), dbSNP rs143596851, ClinGen allele CA2659781.

ClinVar aggregate classification (germline): Uncertain significance. Review status: criteria provided, multiple submitters, no conflicts (2 of 4 stars). 2 submissions from 2 submitters: Uncertain significance (2). Last evaluated 2025-12-01.

Conditions:
HPS3-related disorder. Also called: HPS3-related condition.

Allele frequency attached by ClinVar (database versions not stated): ExAC 0.00016; 1000 Genomes Project 0.00020; 1000 Genomes Project 30x 0.00047; gnomAD 0.00054; TOPMed 0.00056; ESP Exome Variant Server 0.00062; gnomAD exomes 0.00005.
gnomAD v4.1: 146 of 1,613,746 alleles (0.009%); highest among the groups gnomAD compares: African/African-American, 0.19%; no homozygotes.

Submissions (2):

PreventionGenetics, part of Exact Sciences
Classification: Uncertain significance for HPS3-related condition. Last evaluated: 2025-12-01. Review status: criteria provided, single submitter. Criteria: ACMG Guidelines, 2015. Collection method: clinical testing. Allele origin: germline.
Comment: The HPS3 c.343G>A variant is predicted to result in the amino acid substitution p.Gly115Arg. To our knowledge, this variant has not been reported in the literature. This variant is reported in 0.14% of alleles in individuals of African descent in gnomAD. Although we suspect that this variant may be benign, at this time, the clinical significance of this variant is uncertain due to the absence of conclusive functional and genetic evidence.

Labcorp Genetics (formerly Invitae), Labcorp
Classification: Uncertain significance. Last evaluated: 2022-06-28. Review status: criteria provided, single submitter. Criteria: Invitae Variant Classification Sherloc (09022015). Collection method: clinical testing. Allele origin: germline.
Comment: This sequence change replaces glycine, which is neutral and non-polar, with arginine, which is basic and polar, at codon 115 of the HPS3 protein (p.Gly115Arg). This variant is present in population databases (rs143596851, gnomAD 0.1%). This variant has not been reported in the literature in individuals affected with HPS3-related conditions. Algorithms developed to predict the effect of missense changes on protein structure and function (SIFT, PolyPhen-2, Align-GVGD) all suggest that this variant is likely to be tolerated. In summary, the available evidence is currently insufficient to determine the role of this variant in disease. Therefore, it has been classified as a Variant of Uncertain Significance.